The following is an entry in ClinVar:

ClinVar aggregate classification (germline): Uncertain significance (1 of 4 stars; one submission).

Conditions:
Ataxia-telangiectasia syndrome (AT). Also called: Ataxia-telangiectasia; LOUIS-BAR SYNDROME; Ataxia-telangiectasia, complementation group D; AT, COMPLEMENTATION GROUP C; ATAXIA-TELANGIECTASIA, COMPLEMENTATION GROUP A; ATAXIA-TELANGIECTASIA, FRESNO VARIANT. Identifiers: Orphanet 100, MedGen C0004135, MONDO:0008840, OMIM 208900.

Submission:

Labcorp Genetics (formerly Invitae), Labcorp
Classification: Uncertain significance for Ataxia-telangiectasia syndrome. Last evaluated: 2021-05-03. Review status: criteria provided, single submitter. Criteria: Invitae Variant Classification Sherloc (09022015). Collection method: clinical testing. Allele origin: germline.
Comment: This sequence change replaces arginine with serine at codon 2568 of the ATM protein (p.Arg2568Ser). The arginine residue is weakly conserved and there is a moderate physicochemical difference between arginine and serine. This variant is not present in population databases (ExAC no frequency). This variant has not been reported in the literature in individuals with ATM-related conditions. Algorithms developed to predict the effect of missense changes on protein structure and function (SIFT, PolyPhen-2, Align-GVGD) all suggest that this variant is likely to be tolerated, but these predictions have not been confirmed by published functional studies and their clinical significance is uncertain. In summary, the available evidence is currently insufficient to determine the role of this variant in disease. Therefore, it has been classified as a Variant of Uncertain Significance.

NM_000051.4(ATM):c.7704A>T (p.Arg2568Ser)

Genes: ATM (ATM serine/threonine kinase; plus strand), C11orf65 (chromosome 11 open reading frame 65; minus strand). Cytogenetic location: 11q22.3.
Variant type: single nucleotide variant.
Coding change: c.7704A>T on transcript NM_000051.4 (MANE Select); coding-DNA position 7704, A replaced by T.
Protein change: p.Arg2568Ser; replaces arginine 2568 with serine.
Molecular consequence: missense variant. On other transcripts: intron variant (2).
Genome position (GRCh38, 1-based): chr11:108,331,953, A>T. VCF-style: chr11-108331953-A-T. GRCh37 (hg19) VCF-style: chr11-108202680-A-T.
Other names: c.7704A>T, p.Arg2568Ser (NM_001351834.2); c.641-22882T>A (NM_001330368.2); c.*38+3267T>A (NM_001351110.2); short protein forms R2568S.
Identifiers: ClinVar variation 1350576 (VCV001350576.8), dbSNP rs2136521869, ClinGen allele CA382561045.